The following is an entry in ClinVar:

ClinVar aggregate classification (germline): Uncertain significance (1 of 4 stars; one submission).

Conditions:
TUB-related disorder. Also called: TUB-related condition.

Submission:

PreventionGenetics, part of Exact Sciences
Classification: Uncertain significance for TUB-related condition. Last evaluated: 2025-03-28. Review status: criteria provided, single submitter. Criteria: ACMG Guidelines, 2015. Collection method: clinical testing. Allele origin: germline.
Comment: The TUB c.563-10T>C variant is predicted to interfere with splicing. To our knowledge, this variant has not been reported in the literature or in a large population database (gnomAD), indicating this variant is rare. However, the use of computer prediction programs is not equivalent to functional evidence, and therefore the clinical significance of this variant is uncertain.

NM_177972.3(TUB):c.398-10T>C

Genes: RIC3 (RIC3 acetylcholine receptor chaperone; minus strand), TUB (TUB bipartite transcription factor; plus strand). Cytogenetic location: 11p15.4.
Variant type: single nucleotide variant.
Coding change: c.398-10T>C on transcript NM_177972.3 (MANE Select); 10 bases into the intron before coding-DNA position 398, T replaced by C.
Molecular consequence: intron variant.
Genome position (GRCh38, 1-based): chr11:8,095,488, T>C. VCF-style: chr11-8095488-T-C. GRCh37 (hg19) VCF-style: chr11-8117035-T-C.
Other names: c.416-10T>C (NM_001440538.1, NM_001440539.1); c.416-1197T>C (NM_001440540.1, NM_001440542.1); c.563-10T>C (NM_003320.5); c.398-1197T>C (NM_001440541.1).
Identifiers: ClinVar variation 5000750 (VCV005000750.1).